The following is an entry in ClinVar:

ClinVar aggregate classification (germline): Uncertain significance. Review status: criteria provided, multiple submitters, no conflicts (2 of 4 stars). 2 submissions from 2 submitters: Uncertain significance (2). Last evaluated 2025-01-14.

Conditions:
Hereditary cancer-predisposing syndrome. Also called: Hereditary Cancer Syndrome; Neoplastic Syndromes, Hereditary; Tumor predisposition; Hereditary neoplastic syndrome. Identifiers: Orphanet 140162, MedGen C0027672, MeSH D009386, MONDO:0015356.
Ataxia-telangiectasia syndrome (AT). Also called: Ataxia telangiectasia (A-T); Ataxia-telangiectasia, complementation group E; LOUIS-BAR SYNDROME; Cerebello-oculocutaneous telangiectasia; Immunodeficiency with ataxia telangiectasia; Ataxia-telangiectasia, complementation group D. Identifiers: Orphanet 100, MedGen C0004135, MONDO:0008840, OMIM 208900.

Allele frequency attached by ClinVar (database versions not stated): gnomAD exomes below 0.00001; TOPMed below 0.00001; ExAC 0.00001; ESP Exome Variant Server 0.00008.

Submissions (2):

Labcorp Genetics (formerly Invitae), Labcorp
Classification: Uncertain significance for Ataxia-telangiectasia syndrome. Last evaluated: 2025-01-14. Review status: criteria provided, single submitter. Criteria: Invitae Variant Classification Sherloc (09022015). Collection method: clinical testing. Allele origin: germline.
Comment: This sequence change replaces serine, which is neutral and polar, with phenylalanine, which is neutral and non-polar, at codon 89 of the ATM protein (p.Ser89Phe). This variant is present in population databases (rs375605135, gnomAD 0.007%). This variant has not been reported in the literature in individuals affected with ATM-related conditions. ClinVar contains an entry for this variant (Variation ID: 232936). Invitae Evidence Modeling of protein sequence and biophysical properties (such as structural, functional, and spatial information, amino acid conservation, physicochemical variation, residue mobility, and thermodynamic stability) indicates that this missense variant is not expected to disrupt ATM protein function with a negative predictive value of 95%. In summary, the available evidence is currently insufficient to determine the role of this variant in disease. Therefore, it has been classified as a Variant of Uncertain Significance.

Ambry Genetics
Classification: Uncertain significance for Hereditary cancer-predisposing syndrome. Last evaluated: 2022-03-07. Review status: criteria provided, single submitter. Criteria: Ambry Variant Classification Scheme 2023. Collection method: clinical testing. Allele origin: germline.
Comment: The p.S89F variant (also known as c.266C>T), located in coding exon 3 of the ATM gene, results from a C to T substitution at nucleotide position 266. The serine at codon 89 is replaced by phenylalanine, an amino acid with highly dissimilar properties. This amino acid position is not well conserved in available vertebrate species. In addition, this alteration is predicted to be tolerated by in silico analysis. Since supporting evidence is limited at this time, the clinical significance of this alteration remains unclear.

NM_000051.4(ATM):c.266C>T (p.Ser89Phe)

Gene: ATM (ATM serine/threonine kinase; plus strand). Cytogenetic location: 11q22.3.
Variant type: single nucleotide variant.
Coding change: c.266C>T on transcript NM_000051.4 (MANE Select); coding-DNA position 266, C replaced by T.
Protein change: p.Ser89Phe; replaces serine 89 with phenylalanine.
Molecular consequence: missense variant.
Genome position (GRCh38, 1-based): chr11:108,229,258, C>T. VCF-style: chr11-108229258-C-T. GRCh37 (hg19) VCF-style: chr11-108099985-C-T.
Other names: c.266C>T, p.Ser89Phe (NM_001351834.2, NM_001351835.2, NM_001351836.2); short protein forms S89F.
Identifiers: ClinVar variation 232936 (VCV000232936.14), dbSNP rs375605135, ClinGen allele CA6264543.